The following is an entry in ClinVar:

ClinVar aggregate classification (germline): Uncertain significance (1 of 4 stars; one submission).

Allele frequency attached by ClinVar (database versions not stated): TOPMed below 0.00001; ExAC 0.00001; gnomAD 0.00001; gnomAD exomes 0.00001.
gnomAD v4.1: 13 of 1,612,976 alleles (0.00081%); highest among the groups gnomAD compares: Admixed American, 0.0017%; no homozygotes.

Submission:

Labcorp Genetics (formerly Invitae), Labcorp
Classification: Uncertain significance. Last evaluated: 2024-10-16. Review status: criteria provided, single submitter. Criteria: Invitae Variant Classification Sherloc (09022015). Collection method: clinical testing. Allele origin: germline.
Comment: This sequence change replaces glycine, which is neutral and non-polar, with serine, which is neutral and polar, at codon 699 of the MYO7A protein (p.Gly699Ser). This variant is present in population databases (rs781913580, gnomAD 0.003%). This variant has not been reported in the literature in individuals affected with MYO7A-related conditions. ClinVar contains an entry for this variant (Variation ID: 1911208). An algorithm developed to predict the effect of missense changes on protein structure and function (PolyPhen-2) suggests that this variant is likely to be tolerated. In summary, the available evidence is currently insufficient to determine the role of this variant in disease. Therefore, it has been classified as a Variant of Uncertain Significance.

NM_000260.4(MYO7A):c.2095G>A (p.Gly699Ser)

Gene: MYO7A (myosin VIIA; plus strand). Cytogenetic location: 11q13.5.
Variant type: single nucleotide variant.
Coding change: c.2095G>A on transcript NM_000260.4 (MANE Select); coding-DNA position 2095, G replaced by A.
Protein change: p.Gly699Ser; replaces glycine 699 with serine.
Molecular consequence: missense variant.
Genome position (GRCh38, 1-based): chr11:77,175,372, G>A. VCF-style: chr11-77175372-G-A. GRCh37 (hg19) VCF-style: chr11-76886418-G-A.
Other names: c.2095G>A, p.Gly699Ser (NM_001127180.2); c.2062G>A, p.Gly688Ser (NM_001369365.1); short protein forms G688S, G699S.
Identifiers: ClinVar variation 1911208 (VCV001911208.5), dbSNP rs781913580, ClinGen allele CA6197701.